The following is an entry in ClinVar:

ClinVar aggregate classification (germline): Uncertain significance (1 of 4 stars; one submission).

Submission:

Labcorp Genetics (formerly Invitae), Labcorp
Classification: Uncertain significance. Last evaluated: 2025-12-02. Review status: criteria provided, single submitter. Criteria: Invitae Variant Classification Sherloc (09022015). Collection method: clinical testing. Allele origin: germline.
Comment: This sequence change replaces cysteine, which is neutral and slightly polar, with phenylalanine, which is neutral and non-polar, at codon 69 of the CLCN2 protein (p.Cys69Phe). This variant is present in population databases (no rsID available, gnomAD 0.01%). This variant has not been reported in the literature in individuals affected with CLCN2-related conditions. ClinVar contains an entry for this variant (Variation ID: 2195347). An algorithm developed to predict the effect of missense changes on protein structure and function (PolyPhen-2) suggests that this variant is likely to be disruptive. In summary, the available evidence is currently insufficient to determine the role of this variant in disease. Therefore, it has been classified as a Variant of Uncertain Significance.

NM_004366.6(CLCN2):c.206_207delinsTT (p.Cys69Phe)

Gene: CLCN2 (chloride voltage-gated channel 2; minus strand). Cytogenetic location: 3q27.1.
Variant type: Indel.
Coding change: c.206_207delinsTT on transcript NM_004366.6 (MANE Select); coding-DNA positions 206 to 207, GC replaced by TT.
Protein change: p.Cys69Phe; replaces cysteine 69 with phenylalanine.
Molecular consequence: missense variant.
Genome position (GRCh38, 1-based): chr3:184,358,988-184,358,989, GC replaced by AA on the plus strand (GC replaced by TT on the coding strand, the reverse complement: CLCN2 is on the minus strand). VCF-style: chr3-184358988-GC-AA. GRCh37 (hg19) VCF-style: chr3-184076776-GC-AA.
Other names: c.206_207delinsTT, p.Cys69Phe (NM_001171087.3, NM_001171088.3, NM_001171089.3); short protein forms C69F.
Identifiers: ClinVar variation 2195347 (VCV002195347.4), dbSNP rs2474262975, ClinGen allele CA2580070501.
Genomic context (GRCh38, chr3:184,358,988, plus strand): 5'-CCTCAGCACAGCACAGCCAGGTCCCCTGCCCCCACCCCAGTTCTCACCGCGGCATCGGGC[GC>AA]AACGGCTCCGTCCATATTCCAAGAGCTCTGGGGCAGCCCGAGAGGAAGGGGGACCTTTCC-3'
Protein context (NP_004357.3, residues 59-79): PELLEYGRSR[Cys69Phe]ARCRVCSVRC